The following is an entry in ClinVar:

NM_000051.4(ATM):c.1166T>G (p.Ile389Arg)

Gene: ATM (ATM serine/threonine kinase; plus strand). Cytogenetic location: 11q22.3.
Variant type: single nucleotide variant.
Coding change: c.1166T>G on transcript NM_000051.4 (MANE Select); coding-DNA position 1166, T replaced by G.
Protein change: p.Ile389Arg; replaces isoleucine 389 with arginine.
Molecular consequence: missense variant.
Genome position (GRCh38, 1-based): chr11:108,249,033, T>G. VCF-style: chr11-108249033-T-G. GRCh37 (hg19) VCF-style: chr11-108119760-T-G.
Other names: c.1166T>G, p.Ile389Arg (NM_001351834.2); short protein forms I389R.
Identifiers: ClinVar variation 658463 (VCV000658463.20), dbSNP rs757486696, ClinGen allele CA382532518.

ClinVar aggregate classification (germline): Uncertain significance. Review status: criteria provided, multiple submitters, no conflicts (2 of 4 stars). 4 submissions from 4 submitters: Uncertain significance (4). Last evaluated 2025-04-08.

Conditions:
Familial cancer of breast. Also called: hereditary breast carcinoma; Hereditary breast cancer; BREAST CANCER, FAMILIAL. Identifiers: Orphanet 227535, MedGen C0346153, MONDO:0016419, OMIM 114480. Disease mechanism: loss of function.
Ataxia-telangiectasia syndrome (AT). Also called: ATAXIA-TELANGIECTASIA, FRESNO VARIANT; Ataxia-telangiectasia, complementation group D; Cerebello-oculocutaneous telangiectasia; Immunodeficiency with ataxia telangiectasia; Ataxia-telangiectasia; Ataxia telangiectasia (A-T). Identifiers: Orphanet 100, MedGen C0004135, MONDO:0008840, OMIM 208900.
Hereditary cancer-predisposing syndrome. Also called: Neoplastic Syndromes, Hereditary; Hereditary neoplastic syndrome; Hereditary Cancer Syndrome; Tumor predisposition. Identifiers: Orphanet 140162, MedGen C0027672, MeSH D009386, MONDO:0015356.

Allele frequency attached by ClinVar (database versions not stated): gnomAD 0.00001; TOPMed 0.00001.
gnomAD v4.1: 1 of 1,613,592 alleles (0.000062%); highest among the groups gnomAD compares: Non-Finnish European, 0.000085%; no homozygotes.

Submissions (4):

Ambry Genetics
Classification: Uncertain significance for Hereditary cancer-predisposing syndrome. Last evaluated: 2025-04-08. Review status: criteria provided, single submitter. Criteria: Ambry Variant Classification Scheme 2023. Collection method: clinical testing. Allele origin: germline.
Comment: The p.I389R variant (also known as c.1166T>G), located in coding exon 8 of the ATM gene, results from a T to G substitution at nucleotide position 1166. The isoleucine at codon 389 is replaced by arginine, an amino acid with similar properties. This amino acid position is well conserved in available vertebrate species. In addition, the in silico prediction for this alteration is inconclusive. Based on the available evidence, the clinical significance of this variant remains unclear.

Labcorp Genetics (formerly Invitae), Labcorp
Classification: Uncertain significance for Ataxia-telangiectasia syndrome. Last evaluated: 2024-12-08. Review status: criteria provided, single submitter. Criteria: Invitae Variant Classification Sherloc (09022015). Collection method: clinical testing. Allele origin: germline.
Comment: This sequence change replaces isoleucine, which is neutral and non-polar, with arginine, which is basic and polar, at codon 389 of the ATM protein (p.Ile389Arg). This variant is not present in population databases (gnomAD no frequency). This variant has not been reported in the literature in individuals affected with ATM-related conditions. ClinVar contains an entry for this variant (Variation ID: 658463). Invitae Evidence Modeling of protein sequence and biophysical properties (such as structural, functional, and spatial information, amino acid conservation, physicochemical variation, residue mobility, and thermodynamic stability) indicates that this missense variant is not expected to disrupt ATM protein function with a negative predictive value of 95%. In summary, the available evidence is currently insufficient to determine the role of this variant in disease. Therefore, it has been classified as a Variant of Uncertain Significance.

Color Diagnostics, LLC DBA Color Health
Classification: Uncertain significance for Hereditary cancer-predisposing syndrome. Last evaluated: 2024-03-06. Review status: criteria provided, single submitter. Criteria: ACMG Guidelines, 2015. Collection method: clinical testing. Allele origin: germline.
Comment: This missense variant replaces isoleucine with arginine at codon 389 of the ATM protein. Computational prediction suggests that this variant may not impact protein structure and function (internally defined REVEL score threshold <= 0.5, PMID: 27666373). To our knowledge, functional studies have not been reported for this variant. This variant has not been reported in individuals affected with hereditary cancer in the literature. This variant has not been identified in the general population by the Genome Aggregation Database (gnomAD). The available evidence is insufficient to determine the role of this variant in disease conclusively. Therefore, this variant is classified as a Variant of Uncertain Significance.

Baylor Genetics
Classification: Uncertain significance for Familial cancer of breast. Last evaluated: 2024-02-14. Review status: criteria provided, single submitter. Criteria: ACMG Guidelines, 2015. Collection method: clinical testing. Allele origin: unknown.